The following is an entry in ClinVar:

ClinVar aggregate classification (germline): Uncertain significance (1 of 4 stars; one submission).

gnomAD v4.1: 2 of 1,612,268 alleles (0.00012%); highest among the groups gnomAD compares: African/African-American, 0.0027%; no homozygotes.

Submission:

Labcorp Genetics (formerly Invitae), Labcorp
Classification: Uncertain significance. Last evaluated: 2025-10-26. Review status: criteria provided, single submitter. Criteria: Invitae Variant Classification Sherloc (09022015). Collection method: clinical testing. Allele origin: germline.
Comment: This sequence change affects codon 590 of the COL17A1 mRNA. It is a 'silent' change, meaning that it does not change the encoded amino acid sequence of the COL17A1 protein. It affects a nucleotide within the consensus splice site. The frequency data for this variant in the population databases is considered unreliable, as metrics indicate poor data quality at this position in the gnomAD database. This variant has not been reported in the literature in individuals affected with COL17A1-related conditions. Algorithms developed to predict the effect of sequence changes on RNA splicing suggest that this variant is not likely to affect RNA splicing. In summary, the available evidence is currently insufficient to determine the role of this variant in disease. Therefore, it has been classified as a Variant of Uncertain Significance.

NM_000494.4(COL17A1):c.1770A>G (p.Pro590=)

Genes: COL17A1 (collagen type XVII alpha 1 chain; minus strand), LOC126861025 (CDK7 strongly-dependent group 2 enhancer GRCh37_chr10:105813739-105814938; plus strand). Cytogenetic location: 10q25.1.
Variant type: single nucleotide variant.
Coding change: c.1770A>G on transcript NM_000494.4 (MANE Select); coding-DNA position 1770, A replaced by G.
Protein change: p.Pro590=; no amino-acid change (proline 590 retained).
Molecular consequence: synonymous variant.
Genome position (GRCh38, 1-based): chr10:104,054,093, T>C on the plus strand (A>G on the coding strand, the complement: COL17A1 is on the minus strand). VCF-style: chr10-104054093-T-C. GRCh37 (hg19) VCF-style: chr10-105813851-T-C.
Identifiers: ClinVar variation 4809347 (VCV004809347.1).